The following is an entry in ClinVar:

ClinVar aggregate classification (germline): Likely benign (1 of 4 stars; one submission).

Allele frequency attached by ClinVar (database versions not stated): gnomAD 0.00001; TOPMed 0.00001; ExAC 0.00002.
gnomAD v4.1: 38 of 1,604,428 alleles (0.0024%); highest among the groups gnomAD compares: African/African-American, 0.0067%; no homozygotes.

Submission:

CeGaT Center for Human Genetics Tuebingen
Classification: Likely benign. Last evaluated: 2023-07-01. Review status: criteria provided, single submitter. Criteria: CeGaT Center For Human Genetics Tuebingen Variant Classification Criteria Version 2. Collection method: clinical testing. Allele origin: germline. Affected: yes. Observed: 2 variant alleles.
Comment: ANKRD36C: BP4, BP7

NM_001393982.1(ANKRD36C):c.6102G>A (p.Ser2034=)

Gene: ANKRD36C (ankyrin repeat domain 36C; minus strand). Cytogenetic location: 2q11.1.
Variant type: single nucleotide variant.
Coding change: c.6102G>A on transcript NM_001393982.1 (MANE Select); coding-DNA position 6102, G replaced by A.
Protein change: p.Ser2034=; no amino-acid change (serine 2034 retained).
Molecular consequence: synonymous variant.
Genome position (GRCh38, 1-based): chr2:95,853,778, C>T on the plus strand (G>A on the coding strand, the complement: ANKRD36C is on the minus strand). VCF-style: chr2-95853778-C-T. GRCh37 (hg19) VCF-style: chr2-96519526-C-T.
Other names: c.6177G>A, p.Ser2059= (NM_001310154.3).
Identifiers: ClinVar variation 2651124 (VCV002651124.24), dbSNP rs772303036, ClinGen allele CA1773239.